The following is an entry in ClinVar:

NM_000179.3(MSH6):c.2344C>G (p.Leu782Val)

Gene: MSH6 (mutS homolog 6; plus strand). Cytogenetic location: 2p16.3.
Variant type: single nucleotide variant.
Coding change: c.2344C>G on transcript NM_000179.3 (MANE Select); coding-DNA position 2344, C replaced by G.
Protein change: p.Leu782Val; replaces leucine 782 with valine.
Molecular consequence: missense variant.
Genome position (GRCh38, 1-based): chr2:47,800,327, C>G. VCF-style: chr2-47800327-C-G. GRCh37 (hg19) VCF-style: chr2-48027466-C-G.
Other names: c.1954C>G, p.Leu652Val (NM_001281492.2); c.1438C>G, p.Leu480Val (NM_001281493.2, NM_001281494.2); short protein forms L782V, L652V, L480V.
Identifiers: ClinVar variation 455190 (VCV000455190.11), dbSNP rs1553413714, ClinGen allele CA346753457.

ClinVar aggregate classification (germline): Uncertain significance. Review status: criteria provided, multiple submitters, no conflicts (2 of 4 stars). 3 submissions from 3 submitters: Uncertain significance (3). Last evaluated 2025-06-30.

Conditions:
Hereditary nonpolyposis colorectal neoplasms. Identifiers: MedGen C0009405, MeSH D003123.
Hereditary cancer-predisposing syndrome. Also called: Tumor predisposition; Hereditary Cancer Syndrome; Hereditary neoplastic syndrome; Neoplastic Syndromes, Hereditary. Identifiers: Orphanet 140162, MedGen C0027672, MeSH D009386, MONDO:0015356.
Lynch syndrome. Identifiers: Orphanet 144, MedGen C4552100, MONDO:0005835. Disease mechanism: loss of function.

Submissions (3):

Hema, HEMA – Genetic and Molecular Diagnostic Laboratory
Classification: Uncertain significance for Lynch syndrome. Last evaluated: 2025-06-30. Review status: criteria provided, single submitter. Criteria: HEMA Variant Classification Assertion Criteria. Collection method: clinical testing. Allele origin: germline.
Comment: The c.2344C>G variant is a transversion from cytosine to guanine, resulting in the substitution of leucine 782 of the MSH6 protein with valine. PM2_Supporting: Absent in gnomAD. BP4: Prior probability of pathogenicity score MAPP/PP2 = 0.0503 < 0.11.

Ambry Genetics
Classification: Uncertain significance for Hereditary cancer-predisposing syndrome. Last evaluated: 2025-05-29. Review status: criteria provided, single submitter. Criteria: Ambry Variant Classification Scheme 2023. Collection method: clinical testing. Allele origin: germline.
Comment: The p.L782V variant (also known as c.2344C>G), located in coding exon 4 of the MSH6 gene, results from a C to G substitution at nucleotide position 2344. The leucine at codon 782 is replaced by valine, an amino acid with highly similar properties. This amino acid position is conserved. In addition, this alteration is predicted to be deleterious by in silico analysis. Based on the available evidence, the clinical significance of this variant remains unclear.

Labcorp Genetics (formerly Invitae), Labcorp
Classification: Uncertain significance for Hereditary nonpolyposis colorectal neoplasms. Last evaluated: 2017-01-18. Review status: criteria provided, single submitter. Criteria: Invitae Variant Classification Sherloc (09022015). Collection method: clinical testing. Allele origin: germline.
Comment: This sequence change replaces leucine with valine at codon 782 of the MSH6 protein (p.Leu782Val). The leucine residue is highly conserved and there is a small physicochemical difference between leucine and valine. This variant is not present in population databases (ExAC no frequency) and has not been reported in the literature in individuals with a MSH6-related disease. Algorithms developed to predict the effect of missense changes on protein structure and function do not agree on the potential impact of this missense change (SIFT: "Tolerated"; PolyPhen-2: "Probably Damaging"; Align-GVGD: "Class C0"). Algorithms developed to predict the effect of sequence changes on RNA splicing suggest that this variant may alter RNA splicing, but this prediction has not been confirmed by published transcriptional studies. In summary, this variant is a novel missense change with uncertain impact on protein function. It has been classified as a Variant of Uncertain Significance.